The following is an entry in ClinVar:

ClinVar aggregate classification (germline): Uncertain significance (1 of 4 stars; one submission).

Conditions:
Neuromuscular disease caused by qualitative or quantitative defects of dysferlin. Also called: Dysferlinopathy; Qualitative or quantitative defects of dysferlin. Identifiers: Orphanet 207073, MedGen C2931687, MONDO:0016145.

Submission:

Labcorp Genetics (formerly Invitae), Labcorp
Classification: Uncertain significance for Neuromuscular disease caused by qualitative or quantitative defects of dysferlin. Last evaluated: 2022-03-18. Review status: criteria provided, single submitter. Criteria: Invitae Variant Classification Sherloc (09022015). Collection method: clinical testing. Allele origin: germline.
Comment: This sequence change replaces proline, which is neutral and non-polar, with serine, which is neutral and polar, at codon 1259 of the DYSF protein (p.Pro1259Ser). This variant is not present in population databases (gnomAD no frequency). This variant has not been reported in the literature in individuals affected with DYSF-related conditions. ClinVar contains an entry for this variant (Variation ID: 965238). Advanced modeling of protein sequence and biophysical properties (such as structural, functional, and spatial information, amino acid conservation, physicochemical variation, residue mobility, and thermodynamic stability) performed at Invitae indicates that this missense variant is not expected to disrupt DYSF protein function. In summary, the available evidence is currently insufficient to determine the role of this variant in disease. Therefore, it has been classified as a Variant of Uncertain Significance.

NM_001130987.2(DYSF):c.3829C>T (p.Pro1277Ser)

Gene: DYSF (dysferlin; plus strand). Cytogenetic location: 2p13.2.
Variant type: single nucleotide variant.
Coding change: c.3829C>T on transcript NM_001130987.2 (MANE Select); coding-DNA position 3829, C replaced by T.
Protein change: p.Pro1277Ser; replaces proline 1277 with serine.
Molecular consequence: missense variant.
Genome position (GRCh38, 1-based): chr2:71,600,774, C>T. VCF-style: chr2-71600774-C-T. GRCh37 (hg19) VCF-style: chr2-71827904-C-T.
Other names: c.3778C>T, p.Pro1260Ser (NM_001130455.2, NM_001130983.2); c.3733C>T, p.Pro1245Ser (NM_001130976.2, NM_001130977.2); c.3775C>T, p.Pro1259Ser (NM_001130978.2, NM_003494.4); c.3868C>T, p.Pro1290Ser (NM_001130979.2); c.3826C>T, p.Pro1276Ser (NM_001130980.2, NM_001130981.2); c.3871C>T, p.Pro1291Ser (NM_001130982.2); c.3736C>T, p.Pro1246Ser (NM_001130984.2, NM_001130986.2); c.3829C>T, p.Pro1277Ser (NM_001130985.2); short protein forms P1260S, P1290S, P1245S, P1246S, P1259S, P1276S, P1277S, P1291S.
Identifiers: ClinVar variation 965238 (VCV000965238.4), dbSNP rs2093531034, ClinGen allele CA347225313.
Genomic context (GRCh38, chr2:71,600,774, plus strand): 5'-TTTATGGGTCGCTGCATCTGTCAACCGAGTCTGGAACGGATGCCACGGCTGGCCTGGTTC[C>T]CACTGACGAGGGGCAGCCAGCCGTCGGGGGAGCTGCTGGCCTCTTTTGAGCTCATCCAGA-3'
Protein context (NP_001124459.1, residues 1267-1287): LERMPRLAWF[Pro1277Ser]LTRGSQPSGE